The following is an entry in ClinVar:

ClinVar aggregate classification (germline): Uncertain significance (1 of 4 stars; one submission).

Conditions:
Inborn genetic diseases. Identifiers: MedGen C0950123, MeSH D030342.

Submission:

Ambry Genetics
Classification: Uncertain significance for Inborn genetic diseases. Last evaluated: 2026-06-02. Review status: criteria provided, single submitter. Criteria: Ambry Variant Classification Scheme 2023. Collection method: clinical testing. Allele origin: germline.
Comment: The p.L13Q variant (also known as c.38T>A), located in coding exon 1 of the FANCG gene, results from a T to A substitution at nucleotide position 38. The leucine at codon 13 is replaced by glutamine, an amino acid with dissimilar properties. This amino acid position is conserved. In addition, this alteration is predicted to be deleterious by in silico analysis. Based on the available evidence, the clinical significance of this variant remains unclear.

NM_004629.2(FANCG):c.38T>A (p.Leu13Gln)

Gene: FANCG (FA complementation group G; minus strand). Cytogenetic location: 9p13.3.
Variant type: single nucleotide variant.
Coding change: c.38T>A on transcript NM_004629.2 (MANE Select); coding-DNA position 38, T replaced by A.
Protein change: p.Leu13Gln; replaces leucine 13 with glutamine.
Molecular consequence: missense variant.
Genome position (GRCh38, 1-based): chr9:35,079,487, A>T on the plus strand (T>A on the coding strand, the complement: FANCG is on the minus strand). VCF-style: chr9-35079487-A-T. GRCh37 (hg19) VCF-style: chr9-35079484-A-T.
Other names: short protein forms L13Q.
Identifiers: ClinVar variation 4871015 (VCV004871015.1).